The following is an entry in ClinVar:

NM_001127222.2(CACNA1A):c.3464A>T (p.Asn1155Ile)

Gene: CACNA1A (calcium voltage-gated channel subunit alpha1 A; minus strand). Cytogenetic location: 19p13.13.
Variant type: single nucleotide variant.
Coding change: c.3464A>T on transcript NM_001127222.2 (MANE Select); coding-DNA position 3464, A replaced by T.
Protein change: p.Asn1155Ile; replaces asparagine 1155 with isoleucine.
Molecular consequence: missense variant.
Genome position (GRCh38, 1-based): chr19:13,286,592, T>A on the plus strand (A>T on the coding strand, the complement: CACNA1A is on the minus strand). VCF-style: chr19-13286592-T-A. GRCh37 (hg19) VCF-style: chr19-13397406-T-A.
Other names: c.3476A>T, p.Asn1159Ile (NM_000068.4, NM_023035.3); c.3467A>T, p.Asn1156Ile (NM_001127221.2, NM_001174080.2); short protein forms N1156I, N1155I, N1159I.
Identifiers: ClinVar variation 542818 (VCV000542818.9), dbSNP rs992828062, ClinGen allele CA305564087.
Genomic context (GRCh38, chr19:13,286,592, plus strand): 5'-GGGCAGGCTGGGGGGATGTCCACTGTGGTGTGGTCGGGTTTCCTGGCAGTCTTAGCTGAA[T>A]TGGTCTGGGTGCCGCTGGGGTTGGTGACGATAAGGCTATTCTCGGGGGTCTTGGGGGGGC-3'
Protein context (NP_001120694.1, residues 1145-1165): IVTNPSGTQT[Asn1155Ile]SAKTARKPDH

ClinVar aggregate classification (germline): Uncertain significance (1 of 4 stars; one submission).

Conditions:
Episodic ataxia type 2 (EA2). Also called: EPISODIC ATAXIA, NYSTAGMUS-ASSOCIATED; ATAXIA, EPISODIC, WITH NYSTAGMUS; ATAXIA, FAMILIAL PAROXYSMAL; CEREBELLAR ATAXIA, PAROXYSMAL, ACETAZOLAMIDE-RESPONSIVE; CEREBELLOPATHY, HEREDITARY PAROXYSMAL; ACETAZOLAMIDE-RESPONSIVE HEREDITARY PAROXYSMAL CEREBELLAR ATAXIA. Identifiers: Orphanet 97, MedGen C1720416, MONDO:0007163, OMIM 108500.
Developmental and epileptic encephalopathy, 42 (DEE42A). Also called: Epileptic encephalopathy, early infantile, 42; DEVELOPMENTAL AND EPILEPTIC ENCEPHALOPATHY 42A; EPILEPTIC ENCEPHALOPATHY, EARLY INFANTILE, 42A. Identifiers: MedGen C4310716, MONDO:0014917, OMIM 617106.

Allele frequency attached by ClinVar (database versions not stated): TOPMed below 0.00001.

Submission:

Labcorp Genetics (formerly Invitae), Labcorp
Classification: Uncertain significance for Developmental and epileptic encephalopathy, 42; Episodic ataxia type 2. Last evaluated: 2020-03-05. Review status: criteria provided, single submitter. Criteria: Invitae Variant Classification Sherloc (09022015). Collection method: clinical testing. Allele origin: germline.
Comment: In summary, the available evidence is currently insufficient to determine the role of this variant in disease. Therefore, it has been classified as a Variant of Uncertain Significance. Algorithms developed to predict the effect of missense changes on protein structure and function do not agree on the potential impact of this missense change (SIFT: "Deleterious"; PolyPhen-2: "Benign"; Align-GVGD: "Class C0"). This variant has not been reported in the literature in individuals with CACNA1A-related disease. This variant is not present in population databases (ExAC no frequency). This sequence change replaces asparagine with isoleucine at codon 1156 of the CACNA1A protein (p.Asn1156Ile). The asparagine residue is moderately conserved and there is a large physicochemical difference between asparagine and isoleucine.